The following is an entry in ClinVar:

ClinVar aggregate classification (germline): Uncertain significance (1 of 4 stars; one submission).

Allele frequency attached by ClinVar (database versions not stated): gnomAD 0.00001; gnomAD exomes 0.00002 and 0.00004; ExAC 0.00004.
gnomAD v4.1: 26 of 1,611,792 alleles (0.0016%); highest among the groups gnomAD compares: South Asian, 0.0044%; no homozygotes.

Submission:

Labcorp Genetics (formerly Invitae), Labcorp
Classification: Uncertain significance. Last evaluated: 2021-08-07. Review status: criteria provided, single submitter. Criteria: Invitae Variant Classification Sherloc (09022015). Collection method: clinical testing. Allele origin: germline.
Comment: This sequence change replaces arginine with glutamine at codon 4087 of the PCLO protein (p.Arg4087Gln). The arginine residue is moderately conserved and there is a small physicochemical difference between arginine and glutamine. This variant is present in population databases (rs200132299, ExAC 0.02%). This variant has not been reported in the literature in individuals affected with PCLO-related conditions. Algorithms developed to predict the effect of missense changes on protein structure and function are either unavailable or do not agree on the potential impact of this missense change (SIFT: "Deleterious"; PolyPhen-2: "Not Available"; Align-GVGD: "Class C0"). In summary, the available evidence is currently insufficient to determine the role of this variant in disease. Therefore, it has been classified as a Variant of Uncertain Significance.

NM_033026.6(PCLO):c.12260G>A (p.Arg4087Gln)

Gene: PCLO (piccolo presynaptic cytomatrix protein; minus strand). Cytogenetic location: 7q21.11.
Variant type: single nucleotide variant.
Coding change: c.12260G>A on transcript NM_033026.6 (MANE Select); coding-DNA position 12260, G replaced by A.
Protein change: p.Arg4087Gln; replaces arginine 4087 with glutamine.
Molecular consequence: missense variant.
Genome position (GRCh38, 1-based): chr7:82,915,726, C>T on the plus strand (G>A on the coding strand, the complement: PCLO is on the minus strand). VCF-style: chr7-82915726-C-T. GRCh37 (hg19) VCF-style: chr7-82545042-C-T.
Other names: c.12260G>A, p.Arg4087Gln (NM_014510.3); short protein forms R4087Q.
Identifiers: ClinVar variation 1416204 (VCV001416204.3), dbSNP rs200132299, ClinGen allele CA4319405.
Genomic context (GRCh38, chr7:82,915,726, plus strand): 5'-TAACTATGCAATCTAGAGGAAGACTGTAAAGGTGCTAGGAAATCTGTCACTTCTTGAGAC[C>T]GGCGTGTCTCAGTGGTTCGAAGGAGACGGTCTGTTTTTGACAGATCCTTTTCATGAAGGC-3'
Protein context (NP_149015.2, residues 4077-4097): DRLLRTTETR[Arg4087Gln]SQEVTDFLAP